The following is an entry in ClinVar:

ClinVar aggregate classification (germline): Likely benign. Review status: criteria provided, multiple submitters, no conflicts (2 of 4 stars). 2 submissions from 2 submitters: Likely benign (2). Last evaluated 2026-01-11.

Conditions:
RET-related disorder. Also called: RET-related condition; RET-related disease; RET-related disorders.
Multiple endocrine neoplasia, type 2 (MEN2). Identifiers: Orphanet 653, MedGen C4048306, MONDO:0019003. Disease mechanism: gain of function.

Allele frequency attached by ClinVar (database versions not stated): TOPMed below 0.00001; ExAC 0.00003.
gnomAD v4.1: 29 of 1,613,756 alleles (0.0018%); highest among the groups gnomAD compares: Middle Eastern, 0.017%; no homozygotes.

Submissions (2):

Labcorp Genetics (formerly Invitae), Labcorp
Classification: Likely benign for Multiple endocrine neoplasia, type 2. Last evaluated: 2026-01-11. Review status: criteria provided, single submitter. Criteria: Invitae Variant Classification Sherloc (09022015). Collection method: clinical testing. Allele origin: germline.

PreventionGenetics, part of Exact Sciences
Classification: Likely benign for RET-related condition. Last evaluated: 2024-12-09. Review status: criteria provided, single submitter. Criteria: ACMG Guidelines, 2015. Collection method: clinical testing. Allele origin: germline.
Comment: This variant is classified as likely benign based on ACMG/AMP sequence variant interpretation guidelines (Richards et al. 2015 PMID: 25741868, with internal and published modifications).

NM_020975.6(RET):c.3039+7G>T

Gene: RET (ret proto-oncogene; plus strand). Cytogenetic location: 10q11.21.
Variant type: single nucleotide variant.
Coding change: c.3039+7G>T on transcript NM_020975.6 (MANE Select); 7 bases into the intron after coding-DNA position 3039, G replaced by T.
Molecular consequence: intron variant.
Genome position (GRCh38, 1-based): chr10:43,124,989, G>T. VCF-style: chr10-43124989-G-T. GRCh37 (hg19) VCF-style: chr10-43620437-G-T.
Other names: c.3039+7G>T (NM_020630.7, NM_001406743.1, NM_001406744.1 and 2 more transcripts); c.2904+7G>T (NM_001406765.1, NM_001406763.1); c.2643+7G>T (NM_001406772.1, NM_001406769.1); c.2601+7G>T (NM_001406773.1, NM_001406771.1); c.2142+7G>T (NM_001406782.1, NM_001406780.1, NM_001406779.1 and 1 more transcripts); c.2007+7G>T (NM_001406787.1); c.2022+7G>T (NM_001406785.1); c.2910+7G>T (NM_001406764.1, NM_001406762.1, NM_001406761.1); and 10 more.
Identifiers: ClinVar variation 543791 (VCV000543791.14), dbSNP rs761410293, ClinGen allele CA042189.